The following is an entry in ClinVar:

NM_001164508.2(NEB):c.5718C>T (p.Ala1906=)

Gene: NEB (nebulin; minus strand). Cytogenetic location: 2q23.3.
Variant type: single nucleotide variant.
Coding change: c.5718C>T on transcript NM_001164508.2 (MANE Select); coding-DNA position 5718, C replaced by T.
Protein change: p.Ala1906=; no amino-acid change (alanine 1906 retained).
Molecular consequence: synonymous variant.
Genome position (GRCh38, 1-based): chr2:151,663,593, G>A on the plus strand (C>T on the coding strand, the complement: NEB is on the minus strand). VCF-style: chr2-151663593-G-A. GRCh37 (hg19) VCF-style: chr2-152520107-G-A.
Other names: c.5718C>T, p.Ala1906= (NM_001164507.2, NM_001271208.2, NM_004543.5).
Identifiers: ClinVar variation 257819 (VCV000257819.17), dbSNP rs115379999, ClinGen allele CA1910297.
Genomic context (GRCh38, chr2:151,663,593, plus strand): 5'-GTGGTTTTCACGTACATCACTTTGAATCTGCATCATATTTTTGGCCAATTCAAAGCTCAT[G>A]GCATCAGGAAGCATGTTGTAGGTATGGATCACGTTCCTGTAGTTGGCATTGGTGGCCACT-3'
Protein context (NP_001157980.2, residues 1896-1916): VIHTYNMLPD[Ala1906=]MSFELAKNMM

ClinVar aggregate classification (germline): Benign/Likely benign. Review status: criteria provided, multiple submitters, no conflicts (2 of 4 stars). 5 submissions from 5 submitters: Benign (1); Likely benign (4). Last evaluated 2026-02-01.

Conditions:
Nemaline myopathy 2 (NEM2). Also called: Nemaline myopathy 2, autosomal recessive. Identifiers: MedGen C1850569, MONDO:0009725, OMIM 256030.

Allele frequency attached by ClinVar (database versions not stated): gnomAD exomes 0.00019 and 0.00037; ExAC 0.00044; 1000 Genomes Project 30x 0.00094; 1000 Genomes Project 0.00100; ESP Exome Variant Server 0.00120; gnomAD 0.00153 and 0.00169; TOPMed 0.00194.
gnomAD v4.1: 510 of 1,613,088 alleles (0.032%); highest among the groups gnomAD compares: African/African-American, 0.64%; 4 homozygotes.

Submissions (5):

CeGaT Center for Human Genetics Tuebingen
Classification: Likely benign. Last evaluated: 2026-02-01. Review status: criteria provided, single submitter. Criteria: CeGaT Center For Human Genetics Tuebingen Variant Classification Criteria Version 2. Collection method: clinical testing. Allele origin: germline. Affected: yes. Observed: 1 variant allele.
Comment: NEB: BP4, BS2

Labcorp Genetics (formerly Invitae), Labcorp
Classification: Benign for Nemaline myopathy 2. Last evaluated: 2026-01-26. Review status: criteria provided, single submitter. Criteria: Invitae Variant Classification Sherloc (09022015). Collection method: clinical testing. Allele origin: germline.

Blueprint Genetics
Classification: Likely benign. Last evaluated: 2024-06-26. Review status: criteria provided, single submitter. Criteria: ACMG Guidelines, 2015. Collection method: clinical testing. Allele origin: germline.

GeneDx
Classification: Likely benign. Last evaluated: 2017-11-27. Review status: criteria provided, single submitter. Criteria: GeneDx Variant Classification (06012015). Collection method: clinical testing. Allele origin: germline. Affected: yes.
Comment: This variant is considered likely benign or benign based on one or more of the following criteria: it is a conservative change, it occurs at a poorly conserved position in the protein, it is predicted to be benign by multiple in silico algorithms, and/or has population frequency not consistent with disease.

PreventionGenetics, part of Exact Sciences
Classification: Likely benign. Review status: criteria provided, single submitter. Criteria: ACMG Guidelines, 2015. Collection method: clinical testing. Allele origin: germline.